The following is an entry in ClinVar:

NM_018489.3(ASH1L):c.5251C>T (p.Arg1751Cys)

Gene: ASH1L (ASH1 like histone lysine methyltransferase; minus strand). Cytogenetic location: 1q22.
Variant type: single nucleotide variant.
Coding change: c.5251C>T on transcript NM_018489.3 (MANE Select); coding-DNA position 5251, C replaced by T.
Protein change: p.Arg1751Cys; replaces arginine 1751 with cysteine.
Molecular consequence: missense variant.
Genome position (GRCh38, 1-based): chr1:155,438,904, G>A on the plus strand (C>T on the coding strand, the complement: ASH1L is on the minus strand). VCF-style: chr1-155438904-G-A. GRCh37 (hg19) VCF-style: chr1-155408695-G-A.
Other names: c.5251C>T, p.Arg1751Cys (NM_001366177.2); short protein forms R1751C.
Identifiers: ClinVar variation 3772329 (VCV003772329.13).

ClinVar aggregate classification (germline): Likely benign (1 of 4 stars; one submission).

gnomAD v4.1: 20 of 1,614,000 alleles (0.0012%); highest among the groups gnomAD compares: East Asian, 0.025%; no homozygotes.

Submission:

CeGaT Center for Human Genetics Tuebingen
Classification: Likely benign. Last evaluated: 2025-01-01. Review status: criteria provided, single submitter. Criteria: CeGaT Center For Human Genetics Tuebingen Variant Classification Criteria Version 2. Collection method: clinical testing. Allele origin: germline. Affected: yes. Observed: 1 variant allele.
Comment: ASH1L: BP4, BS2